The following is an entry in ClinVar:

NM_000059.4(BRCA2):c.5795A>G (p.His1932Arg)

Gene: BRCA2 (BRCA2 DNA repair associated; plus strand). Cytogenetic location: 13q13.1.
Variant type: single nucleotide variant.
Coding change: c.5795A>G on transcript NM_000059.4 (MANE Select); coding-DNA position 5795, A replaced by G.
Protein change: p.His1932Arg; replaces histidine 1932 with arginine.
Molecular consequence: missense variant.
Genome position (GRCh38, 1-based): chr13:32,340,150, A>G. VCF-style: chr13-32340150-A-G. GRCh37 (hg19) VCF-style: chr13-32914287-A-G.
Other names: short protein forms H1932R.
Identifiers: ClinVar variation 1330032 (VCV001330032.12), dbSNP rs1566233236, ClinGen allele CA387787190.

ClinVar aggregate classification (germline): Conflicting classifications of pathogenicity. Review status: criteria provided, conflicting classifications (1 of 4 stars). 4 submissions from 4 submitters: Uncertain significance (2); Likely benign (2). Last evaluated 2025-08-15.

Conditions:
Hereditary cancer-predisposing syndrome. Also called: Hereditary Cancer Syndrome; Tumor predisposition; Neoplastic Syndromes, Hereditary; Hereditary neoplastic syndrome. Identifiers: Orphanet 140162, MedGen C0027672, MeSH D009386, MONDO:0015356.
Hereditary breast ovarian cancer syndrome. Also called: Hereditary breast and ovarian cancer syndrome; Hereditary breast and ovarian cancer; Hereditary breast and ovarian cancer syndrome (HBOC); BRCA1- and BRCA2-Associated Hereditary Breast and Ovarian Cancer; Hereditary breast and/or ovarian cancer syndrome; Breast and ovarian cancer. Identifiers: Orphanet 145, MedGen C0677776, MeSH D061325, MONDO:0003582. Disease mechanism: loss of function.

Submissions (4):

Labcorp Genetics (formerly Invitae), Labcorp
Classification: Likely benign for Hereditary breast ovarian cancer syndrome. Last evaluated: 2025-08-15. Review status: criteria provided, single submitter. Criteria: Invitae Variant Classification Sherloc (09022015). Collection method: clinical testing. Allele origin: germline.

University of Washington Department of Laboratory Medicine, University of Washington
Classification: Likely benign for Hereditary cancer-predisposing syndrome. Last evaluated: 2023-03-23. Review status: criteria provided, single submitter. Criteria: Dines et al. (Genet Med. 2020). Collection method: curation. Allele origin: germline.
Comment: Missense variant in a coldspot region where missense variants are very unlikely to be pathogenic (PMID:31911673).

BRCA2 exon 11 coldspot. Reclassification based on statistical prior probability.

Ambry Genetics
Classification: Uncertain significance for Hereditary cancer-predisposing syndrome. Last evaluated: 2020-12-08. Review status: criteria provided, single submitter. Criteria: Ambry Variant Classification Scheme 2023. Collection method: clinical testing. Allele origin: germline.
Comment: The p.H1932R variant (also known as c.5795A>G), located in coding exon 10 of the BRCA2 gene, results from an A to G substitution at nucleotide position 5795. The histidine at codon 1932 is replaced by arginine, an amino acid with highly similar properties. This amino acid position is not well conserved in available vertebrate species. In addition, this alteration is predicted to be tolerated by in silico analysis. Since supporting evidence is limited at this time, the clinical significance of this alteration remains unclear.

Quest Diagnostics Nichols Institute San Juan Capistrano
Classification: Uncertain significance. Last evaluated: 2020-11-28. Review status: criteria provided, single submitter. Criteria: Quest Diagnostics criteria. Collection method: clinical testing. Allele origin: unknown.